The following is an entry in ClinVar:

ClinVar aggregate classification (germline): Uncertain significance (1 of 4 stars; one submission).

Submission:

GeneDx
Classification: Uncertain significance. Last evaluated: 2024-01-19. Review status: criteria provided, single submitter. Criteria: GeneDx Variant Classification Process June 2021. Collection method: clinical testing. Allele origin: germline. Affected: yes.
Comment: Not observed at significant frequency in large population cohorts (gnomAD); In silico analysis supports that this missense variant has a deleterious effect on protein structure/function; Has not been previously published as pathogenic or benign to our knowledge

NM_001151.4(SLC25A4):c.548G>T (p.Gly183Val)

Gene: SLC25A4 (solute carrier family 25 member 4; plus strand). Cytogenetic location: 4q35.1.
Variant type: single nucleotide variant.
Coding change: c.548G>T on transcript NM_001151.4 (MANE Select); coding-DNA position 548, G replaced by T.
Protein change: p.Gly183Val; replaces glycine 183 with valine.
Molecular consequence: missense variant.
Genome position (GRCh38, 1-based): chr4:185,145,200, G>T. VCF-style: chr4-185145200-G-T. GRCh37 (hg19) VCF-style: chr4-186066354-G-T.
Other names: short protein forms G183V.
Identifiers: ClinVar variation 3368045 (VCV003368045.1).